The following is an entry in ClinVar:

ClinVar aggregate classification (germline): Likely pathogenic (1 of 4 stars; one submission).

Conditions:
Charcot-Marie-Tooth disease axonal type 2V. Also called: CHARCOT-MARIE-TOOTH NEUROPATHY, TYPE 2V; CHARCOT-MARIE-TOOTH DISEASE, AXONAL, AUTOSOMAL DOMINANT, TYPE 2V. Identifiers: Orphanet 447964, MedGen C5569050, MONDO:0014665, OMIM 616491.
Mucopolysaccharidosis, MPS-III-B (MPS3B). Also called: N-ACETYL-ALPHA-D-GLUCOSAMINIDASE DEFICIENCY; NAGLU DEFICIENCY; SANFILIPPO SYNDROME B; MPS III B; Mucopolysaccharidosis type IIIB (Sanfilippo B); MUCOPOLYSACCHARIDOSIS, TYPE IIIB. Identifiers: Orphanet 79270, MedGen C0086648, MONDO:0009656, OMIM 252920.

Allele frequency attached by ClinVar (database versions not stated): TOPMed below 0.00001; gnomAD 0.00001.
gnomAD v4.1: 1 of 1,613,678 alleles (0.000062%); highest among the groups gnomAD compares: Admixed American, 0.0017%; no homozygotes.

Submission:

Labcorp Genetics (formerly Invitae), Labcorp
Classification: Likely pathogenic for Charcot-Marie-Tooth disease axonal type 2V; Mucopolysaccharidosis, MPS-III-B. Last evaluated: 2023-08-29. Review status: criteria provided, single submitter. Criteria: Invitae Variant Classification Sherloc (09022015). Collection method: clinical testing. Allele origin: germline.
Comment: This variant has not been reported in the literature in individuals affected with NAGLU-related conditions. This variant is not present in population databases (gnomAD no frequency). This sequence change affects a donor splice site in intron 4 of the NAGLU gene. It is expected to disrupt RNA splicing. Variants that disrupt the donor or acceptor splice site typically lead to a loss of protein function (PMID: 16199547), and loss-of-function variants in NAGLU are known to be pathogenic (PMID: 9832037, 10094189, 16151907). Algorithms developed to predict the effect of sequence changes on RNA splicing suggest that this variant may disrupt the consensus splice site. In summary, the currently available evidence indicates that the variant is pathogenic, but additional data are needed to prove that conclusively. Therefore, this variant has been classified as Likely Pathogenic.

Literature cited by the submitters: PubMed 16199547; PubMed 9832037; PubMed 10094189; PubMed 16151907.

NM_000263.4(NAGLU):c.764+2T>C

Gene: NAGLU (N-acetyl-alpha-glucosaminidase; plus strand). Cytogenetic location: 17q21.2.
Variant type: single nucleotide variant.
Coding change: c.764+2T>C on transcript NM_000263.4 (MANE Select); the canonical splice donor site of the intron after coding-DNA position 764, T replaced by C.
Molecular consequence: splice donor variant.
Genome position (GRCh38, 1-based): chr17:42,538,757, T>C. VCF-style: chr17-42538757-T-C. GRCh37 (hg19) VCF-style: chr17-40690775-T-C.
Identifiers: ClinVar variation 2951386 (VCV002951386.3), dbSNP rs2092914076, ClinGen allele CA399599167.